The following is an entry in ClinVar:

NM_001377.3(DYNC2H1):c.2767A>T (p.Ile923Phe)

Gene: DYNC2H1 (dynein cytoplasmic 2 heavy chain 1; plus strand). Cytogenetic location: 11q22.3.
Variant type: single nucleotide variant.
Coding change: c.2767A>T on transcript NM_001377.3 (MANE Select); coding-DNA position 2767, A replaced by T.
Protein change: p.Ile923Phe; replaces isoleucine 923 with phenylalanine.
Molecular consequence: missense variant.
Genome position (GRCh38, 1-based): chr11:103,147,836, A>T. VCF-style: chr11-103147836-A-T. GRCh37 (hg19) VCF-style: chr11-103018565-A-T.
Other names: c.2767A>T, p.Ile923Phe (NM_001080463.2); short protein forms I923F.
Identifiers: ClinVar variation 3348141 (VCV003348141.1).

ClinVar aggregate classification (germline): Uncertain significance (0 of 4 stars; one submission).

Conditions:
DYNC2H1-related disorder. Also called: DYNC2H1-related condition; DYNC2H1-related disorders. Identifiers: MedGen CN378770.

gnomAD v4.1: 15 of 1,611,502 alleles (0.00093%); highest among the groups gnomAD compares: South Asian, 0.015%; no homozygotes.

Submission:

PreventionGenetics, part of Exact Sciences
Classification: Uncertain significance for DYNC2H1-related condition. Last evaluated: 2024-03-25. Review status: no assertion criteria provided. Collection method: clinical testing. Allele origin: germline.
Comment: The DYNC2H1 c.2767A>T variant is predicted to result in the amino acid substitution p.Ile923Phe. To our knowledge, this variant has not been reported in the literature. This variant is reported in 0.029% of alleles in individuals of South Asian descent in gnomAD. At this time, the clinical significance of this variant is uncertain due to the absence of conclusive functional and genetic evidence.